The following is an entry in ClinVar:

ClinVar aggregate classification (germline): Uncertain significance. Review status: criteria provided, multiple submitters, no conflicts (2 of 4 stars). 2 submissions from 2 submitters: Uncertain significance (2). Last evaluated 2026-03-11.

Conditions:
PCNT-related disorder. Also called: PCNT-related condition.

Allele frequency attached by ClinVar (database versions not stated): TOPMed 0.00001.

Submissions (2):

PreventionGenetics, part of Exact Sciences
Classification: Uncertain significance for PCNT-related condition. Last evaluated: 2026-03-11. Review status: criteria provided, single submitter. Criteria: ACMG Guidelines, 2015. Collection method: clinical testing. Allele origin: germline.
Comment: The PCNT c.3085T>C variant is predicted to result in the amino acid substitution p.Ser1029Pro. To our knowledge, this variant has not been reported in the literature or in a large population database (gnomAD), indicating this variant is rare. At this time, the clinical significance of this variant is uncertain due to the absence of conclusive functional and genetic evidence.

Labcorp Genetics (formerly Invitae), Labcorp
Classification: Uncertain significance. Last evaluated: 2023-07-21. Review status: criteria provided, single submitter. Criteria: Invitae Variant Classification Sherloc (09022015). Collection method: clinical testing. Allele origin: germline.
Comment: This sequence change replaces serine, which is neutral and polar, with proline, which is neutral and non-polar, at codon 1029 of the PCNT protein (p.Ser1029Pro). This variant is not present in population databases (gnomAD no frequency). This variant has not been reported in the literature in individuals affected with PCNT-related conditions. ClinVar contains an entry for this variant (Variation ID: 1372833). Algorithms developed to predict the effect of missense changes on protein structure and function output the following: SIFT: "Not Available"; PolyPhen-2: "Possibly Damaging"; Align-GVGD: "Not Available". The proline amino acid residue is found in multiple mammalian species, which suggests that this missense change does not adversely affect protein function. In summary, the available evidence is currently insufficient to determine the role of this variant in disease. Therefore, it has been classified as a Variant of Uncertain Significance.

NM_006031.6(PCNT):c.3085T>C (p.Ser1029Pro)

Gene: PCNT (pericentrin; plus strand). Cytogenetic location: 21q22.3.
Variant type: single nucleotide variant.
Coding change: c.3085T>C on transcript NM_006031.6 (MANE Select); coding-DNA position 3085, T replaced by C.
Protein change: p.Ser1029Pro; replaces serine 1029 with proline.
Molecular consequence: missense variant.
Genome position (GRCh38, 1-based): chr21:46,367,059, T>C. VCF-style: chr21-46367059-T-C. GRCh37 (hg19) VCF-style: chr21-47786974-T-C.
Other names: c.3085T>C (NM_006031.5); c.2731T>C, p.Ser911Pro (NM_001315529.2); short protein forms S1029P, S911P.
Identifiers: ClinVar variation 1372833 (VCV001372833.7), dbSNP rs1054600402, ClinGen allele CA322005977.